The following is an entry in ClinVar:

NM_020458.4(TTC7A):c.2087C>T (p.Ser696Phe)

Gene: TTC7A (tetratricopeptide repeat domain 7A; plus strand). Cytogenetic location: 2p21.
Variant type: single nucleotide variant.
Coding change: c.2087C>T on transcript NM_020458.4 (MANE Select); coding-DNA position 2087, C replaced by T.
Protein change: p.Ser696Phe; replaces serine 696 with phenylalanine.
Molecular consequence: missense variant.
Genome position (GRCh38, 1-based): chr2:47,051,815, C>T. VCF-style: chr2-47051815-C-T. GRCh37 (hg19) VCF-style: chr2-47278954-C-T.
Other names: c.2159C>T, p.Ser720Phe (NM_001288951.2); c.1985C>T, p.Ser662Phe (NM_001288953.2); c.1025C>T, p.Ser342Phe (NM_001288955.2); short protein forms S662F, S696F, S720F, S342F.
Identifiers: ClinVar variation 1522067 (VCV001522067.8), dbSNP rs758407638, ClinGen allele CA1648007.
Genomic context (GRCh38, chr2:47,051,815, plus strand): 5'-GGGCTTCGTCCATCGCCGCCTCCCGGCTGGAGGAGGCCATGTCAGAGCTGACTATGCCCT[C>T]TTCGGTCCTGAAGCAGGGCCCCATGCAGCTGTGGACCACGCTGGAACAGATCTGGCTGCA-3'
Protein context (NP_065191.2, residues 686-706): EEAMSELTMP[Ser696Phe]SVLKQGPMQL

ClinVar aggregate classification (germline): Uncertain significance (1 of 4 stars; one submission).

Conditions:
Multiple gastrointestinal atresias. Also called: FAMILIAL INTESTINAL POLYATRESIA SYNDROME; Multiple intestinal atresia. Identifiers: Orphanet 2300, MedGen C0220744, MONDO:0009465.

Allele frequency attached by ClinVar (database versions not stated): TOPMed below 0.00001; gnomAD 0.00001; gnomAD exomes 0.00001.
gnomAD v4.1: 10 of 1,612,086 alleles (0.00062%); highest among the groups gnomAD compares: African/African-American, 0.0027%; no homozygotes.

Submission:

Labcorp Genetics (formerly Invitae), Labcorp
Classification: Uncertain significance for Multiple gastrointestinal atresias. Last evaluated: 2021-07-14. Review status: criteria provided, single submitter. Criteria: Invitae Variant Classification Sherloc (09022015). Collection method: clinical testing. Allele origin: germline.
Comment: This sequence change replaces serine with phenylalanine at codon 696 of the TTC7A protein (p.Ser696Phe). The serine residue is moderately conserved and there is a large physicochemical difference between serine and phenylalanine. This variant is present in population databases (rs758407638, ExAC 0.002%). This variant has not been reported in the literature in individuals affected with TTC7A-related conditions. Algorithms developed to predict the effect of missense changes on protein structure and function are either unavailable or do not agree on the potential impact of this missense change (SIFT: "Deleterious"; PolyPhen-2: "Possibly Damaging"; Align-GVGD: "Class C0"). In summary, the available evidence is currently insufficient to determine the role of this variant in disease. Therefore, it has been classified as a Variant of Uncertain Significance.